The following is an entry in ClinVar:

NM_004304.5(ALK):c.1463G>A (p.Gly488Asp)

Gene: ALK (ALK receptor tyrosine kinase; minus strand). Cytogenetic location: 2p23.2.
Variant type: single nucleotide variant.
Coding change: c.1463G>A on transcript NM_004304.5 (MANE Select); coding-DNA position 1463, G replaced by A.
Protein change: p.Gly488Asp; replaces glycine 488 with aspartic acid.
Molecular consequence: missense variant.
Genome position (GRCh38, 1-based): chr2:29,320,834, C>T on the plus strand (G>A on the coding strand, the complement: ALK is on the minus strand). VCF-style: chr2-29320834-C-T. GRCh37 (hg19) VCF-style: chr2-29543700-C-T.
Other names: c.1463G>A (NM_004304.4); short protein forms G488D.
Identifiers: ClinVar variation 2172963 (VCV002172963.5), dbSNP rs2148251016, ClinGen allele CA346472515.

ClinVar aggregate classification (germline): Uncertain significance. Review status: criteria provided, multiple submitters, no conflicts (2 of 4 stars). 2 submissions from 2 submitters: Uncertain significance (2). Last evaluated 2026-02-20.

Conditions:
Hereditary cancer-predisposing syndrome. Also called: Hereditary neoplastic syndrome; Neoplastic Syndromes, Hereditary; Tumor predisposition; Hereditary Cancer Syndrome. Identifiers: Orphanet 140162, MedGen C0027672, MeSH D009386, MONDO:0015356.
Neuroblastoma, susceptibility to, 3. Also called: ALK-Related Neuroblastic Tumor Susceptibility. Identifiers: Orphanet 635, MedGen C2751681, MONDO:0013083, OMIM 613014.

Submissions (2):

Ambry Genetics
Classification: Uncertain significance for Hereditary cancer-predisposing syndrome. Last evaluated: 2026-02-20. Review status: criteria provided, single submitter. Criteria: Ambry Variant Classification Scheme 2023. Collection method: clinical testing. Allele origin: germline.
Comment: The p.G488D variant (also known as c.1463G>A), located in coding exon 7 of the ALK gene, results from a G to A substitution at nucleotide position 1463. The glycine at codon 488 is replaced by aspartic acid, an amino acid with similar properties. This amino acid position is highly conserved in available vertebrate species. In addition, the in silico prediction for this alteration is inconclusive. Based on the available evidence, the clinical significance of this variant remains unclear.

Labcorp Genetics (formerly Invitae), Labcorp
Classification: Uncertain significance for Neuroblastoma, susceptibility to, 3. Last evaluated: 2022-08-06. Review status: criteria provided, single submitter. Criteria: Invitae Variant Classification Sherloc (09022015). Collection method: clinical testing. Allele origin: germline.
Comment: In summary, the available evidence is currently insufficient to determine the role of this variant in disease. Therefore, it has been classified as a Variant of Uncertain Significance. Algorithms developed to predict the effect of missense changes on protein structure and function (SIFT, PolyPhen-2, Align-GVGD) all suggest that this variant is likely to be disruptive. This variant has not been reported in the literature in individuals affected with ALK-related conditions. This variant is not present in population databases (gnomAD no frequency). This sequence change replaces glycine, which is neutral and non-polar, with aspartic acid, which is acidic and polar, at codon 488 of the ALK protein (p.Gly488Asp).